The following is an entry in ClinVar:

ClinVar aggregate classification (germline): Uncertain significance (1 of 4 stars; one submission).

Conditions:
Early-infantile DEE. Also called: Early infantile epileptic encephalopathy; Ohtahara syndrome; Early infantile epileptic encephalopathy with suppression bursts. Identifiers: Orphanet 1934, MedGen C0393706, MONDO:0800491.

Allele frequency attached by ClinVar (database versions not stated): TOPMed below 0.00001; gnomAD 0.00001; gnomAD exomes 0.00001.
gnomAD v4.1: 10 of 1,614,010 alleles (0.00062%); highest among the groups gnomAD compares: Non-Finnish European, 0.00068%; no homozygotes.

Submission:

Labcorp Genetics (formerly Invitae), Labcorp
Classification: Uncertain significance for Early-infantile DEE. Last evaluated: 2022-03-21. Review status: criteria provided, single submitter. Criteria: Invitae Variant Classification Sherloc (09022015). Collection method: clinical testing. Allele origin: germline.
Comment: This variant is present in population databases (no rsID available, gnomAD 0.01%). This sequence change replaces arginine, which is basic and polar, with histidine, which is basic and polar, at codon 765 of the SPTAN1 protein (p.Arg765His). In summary, the available evidence is currently insufficient to determine the role of this variant in disease. Therefore, it has been classified as a Variant of Uncertain Significance. Algorithms developed to predict the effect of missense changes on protein structure and function (SIFT, PolyPhen-2, Align-GVGD) all suggest that this variant is likely to be disruptive. This variant has not been reported in the literature in individuals affected with SPTAN1-related conditions.

NM_001130438.3(SPTAN1):c.2294G>A (p.Arg765His)

Gene: SPTAN1 (spectrin alpha, non-erythrocytic 1; plus strand). Cytogenetic location: 9q34.11.
Variant type: single nucleotide variant.
Coding change: c.2294G>A on transcript NM_001130438.3 (MANE Select); coding-DNA position 2294, G replaced by A.
Protein change: p.Arg765His; replaces arginine 765 with histidine.
Molecular consequence: missense variant.
Genome position (GRCh38, 1-based): chr9:128,584,382, G>A. VCF-style: chr9-128584382-G-A. GRCh37 (hg19) VCF-style: chr9-131346661-G-A.
Other names: c.2294G>A, p.Arg765His (NM_001195532.2, NM_001363759.2, NM_001363765.2 and 5 more transcripts); c.2330G>A, p.Arg777His (NM_001375312.2, NM_001375318.1); short protein forms R765H, R777H.
Identifiers: ClinVar variation 2115656 (VCV002115656.4), dbSNP rs1163379622, ClinGen allele CA375057312.